The following is an entry in ClinVar:

ClinVar aggregate classification (germline): Uncertain significance (1 of 4 stars; one submission).

Conditions:
Inborn genetic diseases. Identifiers: MedGen C0950123, MeSH D030342.

Submission:

Ambry Genetics
Classification: Uncertain significance for Inborn genetic diseases. Last evaluated: 2026-07-06. Review status: criteria provided, single submitter. Criteria: Ambry Variant Classification Scheme 2023. Collection method: clinical testing. Allele origin: germline.
Comment: The p.V251E variant (also known as c.752T>A), located in coding exon 9 of the RYR1 gene, results from a T to A substitution at nucleotide position 752. The valine at codon 251 is replaced by glutamic acid, an amino acid with dissimilar properties. This amino acid position is conserved. In addition, this alteration is predicted to be deleterious by in silico analysis. Based on the available evidence, the clinical significance of this variant remains unclear.

NM_000540.3(RYR1):c.752T>A (p.Val251Glu)

Gene: RYR1 (ryanodine receptor 1; plus strand). Cytogenetic location: 19q13.2.
Variant type: single nucleotide variant.
Coding change: c.752T>A on transcript NM_000540.3 (MANE Select); coding-DNA position 752, T replaced by A.
Protein change: p.Val251Glu; replaces valine 251 with glutamic acid.
Molecular consequence: missense variant.
Genome position (GRCh38, 1-based): chr19:38,446,720, T>A. VCF-style: chr19-38446720-T-A. GRCh37 (hg19) VCF-style: chr19-38937360-T-A.
Other names: c.752T>A, p.Val251Glu (NM_001042723.2); short protein forms V251E.
Identifiers: ClinVar variation 5028622 (VCV005028622.1).